The following is an entry in ClinVar:

NM_152594.3(SPRED1):c.1049G>C (p.Gly350Ala)

Gene: SPRED1 (sprouty related EVH1 domain containing 1; plus strand). Cytogenetic location: 15q14.
Variant type: single nucleotide variant.
Coding change: c.1049G>C on transcript NM_152594.3 (MANE Select); coding-DNA position 1049, G replaced by C.
Protein change: p.Gly350Ala; replaces glycine 350 with alanine.
Molecular consequence: missense variant.
Genome position (GRCh38, 1-based): chr15:38,351,378, G>C. VCF-style: chr15-38351378-G-C. GRCh37 (hg19) VCF-style: chr15-38643579-G-C.
Other names: short protein forms G350A.
Identifiers: ClinVar variation 3649275 (VCV003649275.2).
Genomic context (GRCh38, chr15:38,351,378, plus strand): 5'-GTGAACGTTCTCGCTGCGTATACTGCCAGGAAAGGTTTAATCATGAAGAAAATGTTAGGG[G>C]AAAATGTCAGGATGCTCCAGACCCTATTAAAAGATGCATATATCAAGTTAGTTGCATGCT-3'
Protein context (NP_689807.1, residues 340-360): ERFNHEENVR[Gly350Ala]KCQDAPDPIK

ClinVar aggregate classification (germline): Uncertain significance (1 of 4 stars; one submission).

Conditions:
Legius syndrome. Identifiers: Orphanet 137605, MedGen C1969623, MONDO:0012669, OMIM 611431. Disease mechanism: loss of function.

Submission:

Labcorp Genetics (formerly Invitae), Labcorp
Classification: Uncertain significance for Legius syndrome. Last evaluated: 2024-04-09. Review status: criteria provided, single submitter. Criteria: Invitae Variant Classification Sherloc (09022015). Collection method: clinical testing. Allele origin: germline.
Comment: This sequence change replaces glycine, which is neutral and non-polar, with alanine, which is neutral and non-polar, at codon 350 of the SPRED1 protein (p.Gly350Ala). This variant is not present in population databases (gnomAD no frequency). This variant has not been reported in the literature in individuals affected with SPRED1-related conditions. Advanced modeling of protein sequence and biophysical properties (such as structural, functional, and spatial information, amino acid conservation, physicochemical variation, residue mobility, and thermodynamic stability) performed at Invitae indicates that this missense variant is expected to disrupt SPRED1 protein function with a positive predictive value of 80%. In summary, the available evidence is currently insufficient to determine the role of this variant in disease. Therefore, it has been classified as a Variant of Uncertain Significance.